The following is an entry in ClinVar:

ClinVar aggregate classification (germline): Conflicting classifications of pathogenicity. Review status: criteria provided, conflicting classifications (1 of 4 stars). 4 submissions from 4 submitters: Likely pathogenic (2); Uncertain significance (2). Last evaluated 2026-02-10.

Conditions:
Cortical dysplasia-focal epilepsy syndrome (PTHSL1). Also called: Pitt-Hopkins-like syndrome 1. Identifiers: Orphanet 163681, Orphanet 221150, MedGen C2750246, MONDO:0012400, OMIM 610042.

Allele frequency attached by ClinVar (database versions not stated): gnomAD 0.00001.
gnomAD v4.1: 24 of 1,613,942 alleles (0.0015%); highest among the groups gnomAD compares: Admixed American, 0.005%; no homozygotes.

Submissions (4):

GeneDx
Classification: Likely pathogenic. Last evaluated: 2026-02-10. Review status: criteria provided, single submitter. Criteria: GeneDx Variant Classification Process June 2021. Collection method: clinical testing. Allele origin: germline. Affected: yes.
Comment: Observed in individuals with intellectual disability and/or autism in published literature (PMID: 26350204, 18179895); Published functional studies demonstrate a damaging effect, as variant causes protein misfolding, resulting in ER sequestration and reduction of axon growth in cortical neurons (PMID: 22872700, 29788201, 38424048); In silico analysis supports that this missense variant has a deleterious effect on protein structure/function; Not observed at significant frequency in large population cohorts (gnomAD); This variant is associated with the following publications: (PMID: 29788201, 18179895, 22872700, 26350204, 38424048)

Women's Health and Genetics/Laboratory Corporation of America, LabCorp
Classification: Uncertain significance. Last evaluated: 2024-12-24. Review status: criteria provided, single submitter. Criteria: LabCorp Variant Classification Summary - May 2015. Collection method: clinical testing. Allele origin: germline.
Comment: Variant summary: CNTNAP2 c.3385G>C (p.Asp1129His) results in a non-conservative amino acid change in the encoded protein sequence. Five of five in-silico tools predict a damaging effect of the variant on protein function. The variant allele was found at a frequency of 8e-06 in 251456 control chromosomes (gnomAD). c.3385G>C has been reported in the literature in individuals affected with Autism or Intellectual disability without strong evidence of causality (Bakkaloglu_2008, Grozeva_2015). These reports do not provide unequivocal conclusions about association of the variant with Autism, Susceptibility To, 15. Publications report experimental evidence evaluating an impact on protein function, finding that the variant results in reduced mature/immature protein ratios, causes trafficking deficits and is retained in the endoplasmic reticulum (Falivelli_2012, Canali_2018, Zhang_2024). ClinVar contains an entry for this variant (Variation ID: 2153316). Based on the evidence outlined above, the variant was classified as VUS-possibly pathogenic.

Dasa
Classification: Likely pathogenic. Last evaluated: 2024-12-12. Review status: criteria provided, single submitter. Criteria: DASA Assertion Criteria. Collection method: clinical testing. Allele origin: germline.
Comment: NM_014141.6(CNTNAP2):c.3385G>C (p.Asp1129His) is a missense variant that results in the substitution of aspartic acid with histidine. This variant has been recurrently observed in individuals with CNTNAP2-related disorders (PMID: 26350204; PMID: 18179895). Functional evidence supports an impact on the gene or gene product. Also, this variant is rare in population databases. Computational evidence supports a deleterious effect. Based on the currently available evidence, this variant is classified as likely pathogenic.

Labcorp Genetics (formerly Invitae), Labcorp
Classification: Uncertain significance for Cortical dysplasia-focal epilepsy syndrome. Last evaluated: 2022-04-20. Review status: criteria provided, single submitter. Criteria: Invitae Variant Classification Sherloc (09022015). Collection method: clinical testing. Allele origin: germline.
Comment: This sequence change replaces aspartic acid, which is acidic and polar, with histidine, which is basic and polar, at codon 1129 of the CNTNAP2 protein (p.Asp1129His). This variant is present in population databases (rs781236853, gnomAD 0.006%). This missense change has been observed in individual(s) with clinical features of CNTNAP2-related conditions (PMID: 26350204). Algorithms developed to predict the effect of missense changes on protein structure and function (SIFT, PolyPhen-2, Align-GVGD) all suggest that this variant is likely to be disruptive. Experimental studies have shown that this missense change affects CNTNAP2 function (PMID: 22872700, 29788201). In summary, the available evidence is currently insufficient to determine the role of this variant in disease. Therefore, it has been classified as a Variant of Uncertain Significance.

Literature cited by the submitters: PubMed 26350204 (cited by 3 submitters); PubMed 18179895 (cited by Women's Health and Genetics/Laboratory Corporation of America, LabCorp and Dasa); PubMed 29788201 (cited by 3 submitters); PubMed 22872700 (cited by 3 submitters); PubMed 38424048 (cited by Women's Health and Genetics/Laboratory Corporation of America, LabCorp).

NM_014141.6(CNTNAP2):c.3385G>C (p.Asp1129His)

Gene: CNTNAP2 (contactin associated protein 2; plus strand). Cytogenetic location: 7q36.1.
Variant type: single nucleotide variant.
Coding change: c.3385G>C on transcript NM_014141.6 (MANE Select); coding-DNA position 3385, G replaced by C.
Protein change: p.Asp1129His; replaces aspartic acid 1129 with histidine.
Molecular consequence: missense variant.
Genome position (GRCh38, 1-based): chr7:148,267,036, G>C. VCF-style: chr7-148267036-G-C. GRCh37 (hg19) VCF-style: chr7-147964128-G-C.
Other names: c.3385G>C (NM_014141.5); short protein forms D1129H.
Identifiers: ClinVar variation 2153316 (VCV002153316.8), dbSNP rs781236853, ClinGen allele CA4546643.